The following is an entry in ClinVar:

NM_000090.4(COL3A1):c.3824-14T>G

Gene: COL3A1 (collagen type III alpha 1 chain; plus strand). Cytogenetic location: 2q32.2.
Variant type: single nucleotide variant.
Coding change: c.3824-14T>G on transcript NM_000090.4 (MANE Select); 14 bases into the intron before coding-DNA position 3824, T replaced by G.
Molecular consequence: intron variant.
Genome position (GRCh38, 1-based): chr2:189,010,164, T>G. VCF-style: chr2-189010164-T-G. GRCh37 (hg19) VCF-style: chr2-189874890-T-G.
Identifiers: ClinVar variation 373660 (VCV000373660.4), dbSNP rs762561768, ClinGen allele CA076313.

ClinVar aggregate classification (germline): Conflicting classifications of pathogenicity. Review status: criteria provided, conflicting classifications (1 of 4 stars). 3 submissions from 3 submitters: Uncertain significance (2); Likely benign (1). Last evaluated 2025-09-08.

Conditions:
Ehlers-Danlos syndrome, type 4 (EDSVASC). Also called: Ehlers-Danlos Syndrome Type IV; Ehlers-Danlos syndrome vascular type; Ehlers Danlos syndrome, ecchymotic type; Ehlers Danlos syndrome, arterial type; Ehlers Danlos syndrome, Sack-Barabas type. Identifiers: Orphanet 286, MedGen C0268338, MONDO:0017314, OMIM 130050.

Allele frequency attached by ClinVar (database versions not stated): gnomAD exomes below 0.00001; ExAC 0.00001; gnomAD 0.00001; TOPMed 0.00001.

Submissions (3):

Labcorp Genetics (formerly Invitae), Labcorp
Classification: Likely benign for Ehlers-Danlos syndrome, type 4. Last evaluated: 2025-09-08. Review status: criteria provided, single submitter. Criteria: Invitae Variant Classification Sherloc (09022015). Collection method: clinical testing. Allele origin: germline.

All of Us Research Program, National Institutes of Health
Classification: Uncertain significance for Ehlers-Danlos syndrome, type 4. Last evaluated: 2023-05-04. Review status: criteria provided, single submitter. Criteria: ACMG Guidelines, 2015. Collection method: clinical testing. Allele origin: germline. Inheritance: Autosomal dominant inheritance. Observed: 1 variant allele, 1 heterozygote.
Comment: This variant causes a T to G nucleotide substitution at the -14 position of intron 48 of the COL3A1 gene. To our knowledge, functional studies have not been reported for this variant. This variant has not been reported in individuals affected with COL3A1-related disorders in the literature. This variant has been identified in 1/251172 chromosomes in the general population by the Genome Aggregation Database (gnomAD). The available evidence is insufficient to determine the role of this variant in disease conclusively. Therefore, this variant is classified as a Variant of Uncertain Significance.

This study involves interpretation of variants in research participants for the purpose of population health screening. Participant phenotype was not available at the time of variant classification. Additional details can be found in publication PMID: 35346344, PMCID: PMC8962531

GeneDx
Classification: Uncertain significance. Last evaluated: 2016-12-02. Review status: criteria provided, single submitter. Criteria: GeneDx Variant Classification (06012015). Collection method: clinical testing. Allele origin: germline. Affected: yes.
Comment: A variant of uncertain significance has been identified in the COL3A1 gene. The c.3824-14 T>G variant has not been published as a pathogenic variant, nor has it been reported as a benign variant to our knowledge. Several in silico splice prediction algorithms predict that this variant may destroy or damage the canonical splice acceptor site in intron 42 and may cause abnormal gene splicing. This variant may to lead to either an abnormal message that is subject to nonsense-mediated mRNA decay, or to an abnormal protein product if the message is used for protein translation. Other splice site variants in the COL3A1 gene have been reported in HGMD in association with EDS, type IV (Stenson et al., 2014). The c.3824-14 T>G variant was not observed with any significant frequency in the Exome Aggregation Consortium.